The following is an entry in ClinVar:

ClinVar aggregate classification (germline): Benign/Likely benign. Review status: criteria provided, multiple submitters, no conflicts (2 of 4 stars). 4 submissions from 4 submitters: Benign (1); Likely benign (3). Last evaluated 2026-03-01.

Conditions:
Frontotemporal dementia (FTD1). Also called: WILHELMSEN-LYNCH DISEASE; Frontotemporal lobe dementia (FLDEM); FRONTOTEMPORAL LOBAR DEGENERATION WITH TAU INCLUSIONS; FTLD WITH TAU INCLUSIONS; Dementia, frontotemporal, with or without parkinsonism; Frontotemporal Dementia with Parkinsonism-17 (FTDP-17). Identifiers: Orphanet 282, MedGen C0338451, MONDO:0017276, OMIM 600274, HP:0002145.

Allele frequency attached by ClinVar (database versions not stated): ExAC 0.00003; gnomAD exomes 0.00008 and 0.00022; 1000 Genomes Project 0.00040; TOPMed 0.00060; 1000 Genomes Project 30x 0.00062; gnomAD 0.00064 and 0.00067.
gnomAD v4.1: 219 of 1,612,682 alleles (0.014%); highest among the groups gnomAD compares: Admixed American, 0.32%; 4 homozygotes.

Submissions (4):

CeGaT Center for Human Genetics Tuebingen
Classification: Likely benign. Last evaluated: 2026-03-01. Review status: criteria provided, single submitter. Criteria: CeGaT Center For Human Genetics Tuebingen Variant Classification Criteria Version 2. Collection method: clinical testing. Allele origin: germline. Affected: yes. Observed: 1 variant allele.
Comment: MAPT: BP4, BP7

Labcorp Genetics (formerly Invitae), Labcorp
Classification: Likely benign for Frontotemporal dementia. Last evaluated: 2025-08-01. Review status: criteria provided, single submitter. Criteria: Invitae Variant Classification Sherloc (09022015). Collection method: clinical testing. Allele origin: germline.

Blueprint Genetics
Classification: Likely benign. Last evaluated: 2024-06-25. Review status: criteria provided, single submitter. Criteria: ACMG Guidelines, 2015. Collection method: clinical testing. Allele origin: germline.

GeneDx
Classification: Benign. Last evaluated: 2020-12-18. Review status: criteria provided, single submitter. Criteria: GeneDx Variant Classification Process June 2021. Collection method: clinical testing. Allele origin: germline. Affected: yes.

NM_001377265.1(MAPT):c.120C>T (p.Asp40=)

Gene: MAPT (microtubule associated protein tau). Cytogenetic location: 17q21.31.
Variant type: single nucleotide variant.
Coding change: c.120C>T on transcript NM_001377265.1 (MANE Select); coding-DNA position 120, C replaced by T.
Protein change: p.Asp40=; no amino-acid change (aspartic acid 40 retained).
Molecular consequence: synonymous variant. On other transcripts: non-coding transcript variant (1).
Genome position (GRCh38, 1-based): chr17:45,962,457, C>T. VCF-style: chr17-45962457-C-T. GRCh37 (hg19) VCF-style: chr17-44039823-C-T.
Other names: c.120C>T, p.Asp40= (NM_001123066.4, NM_001123067.4, NM_001203251.2 and 8 more transcripts).
Identifiers: ClinVar variation 695504 (VCV000695504.17), dbSNP rs191362093, ClinGen allele CA8617516.